The following is an entry in ClinVar:

ClinVar aggregate classification (germline): Uncertain significance (1 of 4 stars; one submission).

Allele frequency attached by ClinVar (database versions not stated): gnomAD 0.00001; gnomAD exomes 0.00001 and 0.00002; ExAC 0.00002; TOPMed 0.00002.
gnomAD v4.1: 17 of 1,614,012 alleles (0.0011%); highest among the groups gnomAD compares: South Asian, 0.016%; no homozygotes.

Submission:

Labcorp Genetics (formerly Invitae), Labcorp
Classification: Uncertain significance. Last evaluated: 2021-10-28. Review status: criteria provided, single submitter. Criteria: Invitae Variant Classification Sherloc (09022015). Collection method: clinical testing. Allele origin: germline.
Comment: Algorithms developed to predict the effect of missense changes on protein structure and function are either unavailable or do not agree on the potential impact of this missense change (SIFT: "Not Available"; PolyPhen-2: "Probably Damaging"; Align-GVGD: "Not Available"). This sequence change replaces aspartic acid, which is acidic and polar, with asparagine, which is neutral and polar, at codon 559 of the UNC45A protein (p.Asp559Asn). This variant is present in population databases (rs746800851, gnomAD 0.01%). This variant has not been reported in the literature in individuals affected with UNC45A-related conditions. In summary, the available evidence is currently insufficient to determine the role of this variant in disease. Therefore, it has been classified as a Variant of Uncertain Significance.

NM_018671.5(UNC45A):c.1675G>A (p.Asp559Asn)

Gene: UNC45A (unc-45 myosin chaperone A; plus strand). Cytogenetic location: 15q26.1.
Variant type: single nucleotide variant.
Coding change: c.1675G>A on transcript NM_018671.5 (MANE Select); coding-DNA position 1675, G replaced by A.
Protein change: p.Asp559Asn; replaces aspartic acid 559 with asparagine.
Molecular consequence: missense variant.
Genome position (GRCh38, 1-based): chr15:90,948,221, G>A. VCF-style: chr15-90948221-G-A. GRCh37 (hg19) VCF-style: chr15-91491451-G-A.
Other names: c.1630G>A, p.Asp544Asn (NM_001039675.2, NM_001323621.2); c.1675G>A, p.Asp559Asn (NM_001323619.1); c.1240G>A, p.Asp414Asn (NM_001323620.2); short protein forms D544N, D559N, D414N.
Identifiers: ClinVar variation 1382860 (VCV001382860.4), dbSNP rs746800851, ClinGen allele CA7743009.